The following is an entry in ClinVar:

NM_001039960.3(SLC4A8):c.2172+4932C>A

Gene: SLC4A8 (solute carrier family 4 member 8; plus strand). Cytogenetic location: 12q13.13.
Variant type: single nucleotide variant.
Coding change: c.2172+4932C>A on transcript NM_001039960.3 (MANE Select); 4932 bases into the intron after coding-DNA position 2172, C replaced by A.
Molecular consequence: intron variant. On other transcripts: synonymous variant (2).
Genome position (GRCh38, 1-based): chr12:51,480,138, C>A. VCF-style: chr12-51480138-C-A. GRCh37 (hg19) VCF-style: chr12-51873922-C-A.
Other names: c.2160C>A, p.Ser720= (NM_001258403.2, NM_001405266.1); c.2136+4932C>A (NM_001405270.1); c.2013+4932C>A (NM_001258401.3); c.2172+4932C>A (NM_001405268.1).
Identifiers: ClinVar variation 3388035 (VCV003388035.14).

ClinVar aggregate classification (germline): Likely benign (1 of 4 stars; one submission).

Submission:

CeGaT Center for Human Genetics Tuebingen
Classification: Likely benign. Last evaluated: 2025-02-01. Review status: criteria provided, single submitter. Criteria: CeGaT Center For Human Genetics Tuebingen Variant Classification Criteria Version 2. Collection method: clinical testing. Allele origin: germline. Affected: yes. Observed: 2 variant alleles.
Comment: SLC4A8: BP4, BP7